The following is an entry in ClinVar:

ClinVar aggregate classification (germline): Uncertain significance (1 of 4 stars; one submission).

Conditions:
Early-infantile DEE. Also called: Ohtahara syndrome; Early infantile epileptic encephalopathy; Early infantile epileptic encephalopathy with suppression bursts. Identifiers: Orphanet 1934, MedGen C0393706, MONDO:0800491.

Allele frequency attached by ClinVar (database versions not stated): gnomAD exomes below 0.00001.
gnomAD v4.1: 3 of 1,614,208 alleles (0.00019%); highest among the groups gnomAD compares: East Asian, 0.0045%; no homozygotes.

Submission:

Labcorp Genetics (formerly Invitae), Labcorp
Classification: Uncertain significance for Early-infantile DEE. Last evaluated: 2022-06-04. Review status: criteria provided, single submitter. Criteria: Invitae Variant Classification Sherloc (09022015). Collection method: clinical testing. Allele origin: germline.
Comment: This variant has not been reported in the literature in individuals affected with ST3GAL3-related conditions. This sequence change replaces isoleucine, which is neutral and non-polar, with valine, which is neutral and non-polar, at codon 178 of the ST3GAL3 protein (p.Ile178Val). This variant is not present in population databases (gnomAD no frequency). ClinVar contains an entry for this variant (Variation ID: 573271). Algorithms developed to predict the effect of missense changes on protein structure and function are either unavailable or do not agree on the potential impact of this missense change (SIFT: "Deleterious"; PolyPhen-2: "Possibly Damaging"; Align-GVGD: "Class C0"). In summary, the available evidence is currently insufficient to determine the role of this variant in disease. Therefore, it has been classified as a Variant of Uncertain Significance.

NM_006279.5(ST3GAL3):c.532A>G (p.Ile178Val)

Gene: ST3GAL3 (ST3 beta-galactoside alpha-2,3-sialyltransferase 3; plus strand). Cytogenetic location: 1p34.1.
Variant type: single nucleotide variant.
Coding change: c.532A>G on transcript NM_006279.5 (MANE Select); coding-DNA position 532, A replaced by G.
Protein change: p.Ile178Val; replaces isoleucine 178 with valine.
Molecular consequence: missense variant. On other transcripts: non-coding transcript variant (7), intron variant (4).
Genome position (GRCh38, 1-based): chr1:43,899,238, A>G. VCF-style: chr1-43899238-A-G. GRCh37 (hg19) VCF-style: chr1-44364910-A-G.
Other names: c.532A>G, p.Ile178Val (NM_001270459.2, NM_001350620.2, NM_174966.4); c.439A>G, p.Ile147Val (NM_001270460.2); c.484A>G, p.Ile162Val (NM_001270461.3, NM_001270464.3, NM_174969.4); c.391A>G, p.Ile131Val (NM_001270462.3); c.529A>G, p.Ile177Val (NM_001270463.3, NM_001270465.3); c.577A>G, p.Ile193Val (NM_001350619.2, NM_174964.4); c.253A>G, p.Ile85Val (NM_001350621.2); c.694A>G, p.Ile232Val (NM_001363573.2, NM_174968.5); and 6 more; short protein forms I247V, I178V, I177V, I232V, I147V, I162V, I193V, I216V.
Identifiers: ClinVar variation 573271 (VCV000573271.11), dbSNP rs1558785126, ClinGen allele CA340270056.